The following is an entry in ClinVar:

NM_005996.4(TBX3):c.634A>G (p.Asn212Asp)

Gene: TBX3 (T-box transcription factor 3; minus strand). Cytogenetic location: 12q24.21.
Variant type: single nucleotide variant.
Coding change: c.634A>G on transcript NM_005996.4 (MANE Select); coding-DNA position 634, A replaced by G.
Protein change: p.Asn212Asp; replaces asparagine 212 with aspartic acid.
Molecular consequence: missense variant.
Genome position (GRCh38, 1-based): chr12:114,680,902, T>C on the plus strand (A>G on the coding strand, the complement: TBX3 is on the minus strand). VCF-style: chr12-114680902-T-C. GRCh37 (hg19) VCF-style: chr12-115118707-T-C.
Other names: c.634A>G, p.Asn212Asp (NM_016569.4); short protein forms N212D.
Identifiers: ClinVar variation 4996724 (VCV004996724.1).

ClinVar aggregate classification (germline): Uncertain significance (1 of 4 stars; one submission).

Conditions:
TBX3-related disorder. Also called: TBX3-related condition.

Submission:

PreventionGenetics, part of Exact Sciences
Classification: Uncertain significance for TBX3-related condition. Last evaluated: 2025-03-07. Review status: criteria provided, single submitter. Criteria: ACMG Guidelines, 2015. Collection method: clinical testing. Allele origin: germline.
Comment: The TBX3 c.634A>G variant is predicted to result in the amino acid substitution p.Asn212Asp. To our knowledge, this variant has not been reported in the literature or in a large population database (gnomAD), indicating this variant is rare. At this time, the clinical significance of this variant is uncertain due to the absence of conclusive functional and genetic evidence.